The following is an entry in ClinVar:

ClinVar aggregate classification (germline): Uncertain significance. Review status: criteria provided, multiple submitters, no conflicts (2 of 4 stars). 2 submissions from 2 submitters: Uncertain significance (2). Last evaluated 2025-02-04.

Allele frequency attached by ClinVar (database versions not stated): gnomAD 0.00002; TOPMed 0.00002; ExAC 0.00004; gnomAD exomes 0.00005.
gnomAD v4.1: 69 of 1,545,558 alleles (0.0045%); highest among the groups gnomAD compares: Middle Eastern, 0.059%; no homozygotes.

Submissions (2):

Ambry Genetics
Classification: Uncertain significance. Last evaluated: 2025-02-04. Review status: criteria provided, single submitter. Criteria: Ambry Variant Classification Scheme 2023. Collection method: clinical testing. Allele origin: germline.

Women's Health and Genetics/Laboratory Corporation of America, LabCorp
Classification: Uncertain significance. Last evaluated: 2024-03-22. Review status: criteria provided, single submitter. Criteria: LabCorp Variant Classification Summary - May 2015. Collection method: clinical testing. Allele origin: germline.
Comment: Variant summary: DYNC1I2 c.398G>A (p.Arg133Gln) results in a conservative amino acid change in the encoded protein sequence. Three of five in-silico tools predict a damaging effect of the variant on protein function. Consensus agreement among computation tools predict no significant impact on normal splicing. However, these predictions have yet to be confirmed by functional studies. The variant allele was found at a frequency of 3.5e-05 in 170290 control chromosomes. The available data on variant occurrences in the general population are insufficient to allow any conclusion about variant significance. To our knowledge, no occurrence of c.398G>A in individuals affected with Neurodevelopmental Disorder With Microcephaly And Structural Brain Anomalies and no experimental evidence demonstrating its impact on protein function have been reported. No submitters have cited clinical-significance assessments for this variant to ClinVar. Based on the evidence outlined above, the variant was classified as uncertain significance.

NM_001378.3(DYNC1I2):c.398G>A (p.Arg133Gln)

Gene: DYNC1I2 (dynein cytoplasmic 1 intermediate chain 2; plus strand). Cytogenetic location: 2q31.1.
Variant type: single nucleotide variant.
Coding change: c.398G>A on transcript NM_001378.3 (MANE Select); coding-DNA position 398, G replaced by A.
Protein change: p.Arg133Gln; replaces arginine 133 with glutamine.
Molecular consequence: missense variant.
Genome position (GRCh38, 1-based): chr2:171,715,330, G>A. VCF-style: chr2-171715330-G-A. GRCh37 (hg19) VCF-style: chr2-172571840-G-A.
Other names: c.398G>A, p.Arg133Gln (NM_001271785.2); c.374G>A, p.Arg125Gln (NM_001271786.2, NM_001271787.2); c.320G>A, p.Arg107Gln (NM_001271788.2, NM_001271789.2, NM_001271790.2 and 1 more transcripts); c.380G>A, p.Arg127Gln (NM_001320882.2, NM_001320883.2, NM_001378455.1 and 1 more transcripts); c.398G>A (NM_001378.1); short protein forms R107Q, R125Q, R127Q, R133Q.
Identifiers: ClinVar variation 3233799 (VCV003233799.3), dbSNP rs769244386, ClinGen allele CA1965563.